The following is an entry in ClinVar:

NM_198578.4(LRRK2):c.6205A>G (p.Thr2069Ala)

Gene: LRRK2 (leucine rich repeat kinase 2; plus strand). Cytogenetic location: 12q12.
Variant type: single nucleotide variant.
Coding change: c.6205A>G on transcript NM_198578.4 (MANE Select); coding-DNA position 6205, A replaced by G.
Protein change: p.Thr2069Ala; replaces threonine 2069 with alanine.
Molecular consequence: missense variant.
Genome position (GRCh38, 1-based): chr12:40,346,848, A>G. VCF-style: chr12-40346848-A-G. GRCh37 (hg19) VCF-style: chr12-40740650-A-G.
Other names: short protein forms T2069A.
Identifiers: ClinVar variation 1752191 (VCV001752191.2), dbSNP rs1228541188, ClinGen allele CA384405543.

ClinVar aggregate classification (germline): Uncertain significance (1 of 4 stars; one submission).

Conditions:
Inborn genetic diseases. Identifiers: MedGen C0950123, MeSH D030342.

Allele frequency attached by ClinVar (database versions not stated): TOPMed below 0.00001; gnomAD 0.00001.
gnomAD v4.1: 1 of 1,613,788 alleles (0.000062%); highest among the groups gnomAD compares: African/African-American, 0.0013%; no homozygotes.

Submission:

Ambry Genetics
Classification: Uncertain significance for Inborn genetic diseases. Last evaluated: 2022-01-26. Review status: criteria provided, single submitter. Criteria: Ambry Variant Classification Scheme 2023. Collection method: clinical testing. Allele origin: germline.
Comment: The p.T2069A variant (also known as c.6205A>G), located in coding exon 42 of the LRRK2 gene, results from an A to G substitution at nucleotide position 6205. The threonine at codon 2069 is replaced by alanine, an amino acid with similar properties. This amino acid position is conserved. In addition, this alteration is predicted to be tolerated by in silico analysis. Since supporting evidence is limited at this time, the clinical significance of this alteration remains unclear.